The following is an entry in ClinVar:

NM_017849.4(TMEM127):c.406A>G (p.Thr136Ala)

Gene: TMEM127 (transmembrane protein 127; minus strand). Cytogenetic location: 2q11.2.
Variant type: single nucleotide variant.
Coding change: c.406A>G on transcript NM_017849.4 (MANE Select); coding-DNA position 406, A replaced by G.
Protein change: p.Thr136Ala; replaces threonine 136 with alanine.
Molecular consequence: missense variant.
Genome position (GRCh38, 1-based): chr2:96,254,836, T>C on the plus strand (A>G on the coding strand, the complement: TMEM127 is on the minus strand). VCF-style: chr2-96254836-T-C. GRCh37 (hg19) VCF-style: chr2-96920574-T-C.
Other names: c.406A>G, p.Thr136Ala (NM_001193304.3); c.154A>G, p.Thr52Ala (NM_001407282.1, NM_001407283.1); short protein forms T52A, T136A.
Identifiers: ClinVar variation 4552006 (VCV004552006.1).

ClinVar aggregate classification (germline): Uncertain significance (1 of 4 stars; one submission).

Conditions:
Hereditary cancer-predisposing syndrome. Also called: Tumor predisposition; Hereditary Cancer Syndrome; Hereditary neoplastic syndrome; Neoplastic Syndromes, Hereditary. Identifiers: Orphanet 140162, MedGen C0027672, MeSH D009386, MONDO:0015356.

Submission:

Ambry Genetics
Classification: Uncertain significance for Hereditary cancer-predisposing syndrome. Last evaluated: 2025-10-16. Review status: criteria provided, single submitter. Criteria: Ambry Variant Classification Scheme 2023. Collection method: clinical testing. Allele origin: germline.
Comment: The p.T136A variant (also known as c.406A>G), located in coding exon 2 of the TMEM127 gene, results from an A to G substitution at nucleotide position 406. The threonine at codon 136 is replaced by alanine, an amino acid with similar properties. This amino acid position is conserved. In addition, this alteration is predicted to be deleterious by in silico analysis. Based on the available evidence, the clinical significance of this variant remains unclear.